The following is an entry in ClinVar:

ClinVar aggregate classification (germline): Likely benign. Review status: criteria provided, single submitter (1 of 4 stars). 2 submissions from 2 submitters: Likely benign (1). 1 of the submissions does not count toward it. Last evaluated 2021-04-05.

Conditions:
ADAMTS10-related disorder. Also called: ADAMTS10-related condition.

gnomAD v4.1: 7 of 1,613,712 alleles (0.00043%); highest among the groups gnomAD compares: Non-Finnish European, 0.00059%; no homozygotes.

Submissions (2):

Labcorp Genetics (formerly Invitae), Labcorp
Classification: Likely benign. Last evaluated: 2021-04-05. Review status: criteria provided, single submitter. Criteria: Invitae Variant Classification Sherloc (09022015). Collection method: clinical testing. Allele origin: germline.

PreventionGenetics, part of Exact Sciences
Classification: Likely benign for ADAMTS10-related condition. Last evaluated: 2019-06-13. Review status: no assertion criteria provided. Collection method: clinical testing. Allele origin: germline. Not counted in ClinVar's aggregate classification.
Comment: This variant is classified as likely benign based on ACMG/AMP sequence variant interpretation guidelines (Richards et al. 2015 PMID: 25741868, with internal and published modifications).

NM_030957.4(ADAMTS10):c.2283T>A (p.Pro761=)

Gene: ADAMTS10 (ADAM metallopeptidase with thrombospondin type 1 motif 10; minus strand). Cytogenetic location: 19p13.2.
Variant type: single nucleotide variant.
Coding change: c.2283T>A on transcript NM_030957.4 (MANE Select); coding-DNA position 2283, T replaced by A.
Protein change: p.Pro761=; no amino-acid change (proline 761 retained).
Molecular consequence: synonymous variant.
Genome position (GRCh38, 1-based): chr19:8,586,678, A>T on the plus strand (T>A on the coding strand, the complement: ADAMTS10 is on the minus strand). VCF-style: chr19-8586678-A-T. GRCh37 (hg19) VCF-style: chr19-8651562-A-T.
Other names: c.744T>A, p.Pro248= (NM_001282352.2); c.2283T>A (NM_030957.3).
Identifiers: ClinVar variation 1635340 (VCV001635340.9), dbSNP rs4476282, ClinGen allele CA505422733.